The following is an entry in ClinVar:

ClinVar aggregate classification (germline): Pathogenic. Review status: criteria provided, multiple submitters, no conflicts (2 of 4 stars). 5 submissions from 5 submitters: Pathogenic (5). Last evaluated 2026-04-02.

Conditions:
Inborn genetic diseases. Identifiers: MedGen C0950123, MeSH D030342.
KCNQ2-Related Disorders. Also called: KCNQ2-related condition; KCNQ2-related disorder. Identifiers: MedGen CN169299.
Early-infantile DEE. Also called: Early infantile epileptic encephalopathy; Early infantile epileptic encephalopathy with suppression bursts; Ohtahara syndrome. Identifiers: Orphanet 1934, MedGen C0393706, MONDO:0800491.
Seizures, benign familial neonatal, 1. Also called: KCNQ2-Related Self-Limited Familial Neonatal Epilepsy (SLFNE); Benign Neonatal Epilepsy 1; KCNQ2-Related Benign Familial Neonatal Epilepsy; Seizures, benign neonatal, 1. Identifiers: Orphanet 1949, MedGen C3149074, MONDO:0007365, OMIM 121200.

Submissions (5):

GeneDx
Classification: Pathogenic. Last evaluated: 2026-04-02. Review status: criteria provided, single submitter. Criteria: GeneDx Variant Classification Process June 2021. Collection method: clinical testing. Allele origin: germline.
Comment: Published function studies demonstrate the p.(R214Q) variant moderately affects KCNQ2 channel function (PMID: 18515377, 17227916, 34650221); Not observed at significant frequency in large population cohorts (gnomAD); In silico analysis supports that this missense variant has a deleterious effect on protein structure/function; This variant is associated with the following publications: (PMID: 28283543, 11784811, 11175290, 17227916, 34650221, 18515377, 35856407, 31152295, 37405542, 36035117)

Ambry Genetics
Classification: Pathogenic for Inborn genetic diseases. Last evaluated: 2025-08-14. Review status: criteria provided, single submitter. Criteria: Ambry Variant Classification Scheme 2023. Collection method: clinical testing. Allele origin: germline.
Comment: The c.641G>A (p.R214Q) alteration is located in exon 4 (coding exon 4) of the KCNQ2 gene. This alteration results from a G to A substitution at nucleotide position 641, causing the arginine (R) at amino acid position 214 to be replaced by a glutamine (Q). This variant was not reported in population-based cohorts in the Genome Aggregation Database (gnomAD). This variant was determined to be de novo in at least one individual with features consistent with KCNQ2-related seizure disorders (Fang, 2019; Mellone, 2022; Skoczylas, 2023). This amino acid position is highly conserved in available vertebrate species. This missense alteration is located in a region that has a low rate of benign missense variation (Lek, 2016; Firth, 2009). In multiple assays testing KCNQ2 function, this variant showed functionally abnormal results (Panaghie, 2007; Miceli, 2008). This alteration is predicted to be deleterious by in silico analysis. Based on the available evidence, this alteration is classified as pathogenic.

Rady Children's Institute for Genomic Medicine, Rady Children's Hospital San Diego
Classification: Pathogenic for KCNQ2-related disorders. Last evaluated: 2025-06-25. Review status: criteria provided, single submitter. Criteria: ACMG Guidelines, 2015. Collection method: clinical testing. Allele origin: germline. Affected: yes.
Comment: The KCNQ2 gene is constrained against variation (Z-score = 3.71 and pLI = 1), and missense variants are a common mechanism of disease in KCNQ2-related disorders (HGMD, ClinVar database; PMID: 20437616). The c.641G>A (p.Arg214Gln) variant affects a highly conserved amino acid and is predicted by multiple in silico tools to have a deleterious effect on protein function. This variant has been previously reported as a de novo heterozygous change in patients with KCNQ2-related disorders (PMID: 31152295, 36035117, 37405542). The c.641G>A (p.Arg214Gln) variant is located in a mutational hotspot for pathogenic variations associated with epilepsy (PMID: 18353052, 22275249, 25982755, 32917465). A different amino acid change at the same residue (p.Arg214Trp) has been previously reported in individuals with self-limited familial neonatal epilepsy (PMID: 11175290). The c.641G>A (p.Arg214Gln) variant is absent from the latest version of the gnomAD population database and thus is presumed to be rare. Based on the available evidence, c.641G>A (p.Arg214Gln) is classified as Pathogenic.

Labcorp Genetics (formerly Invitae), Labcorp
Classification: Pathogenic for Early-infantile DEE. Last evaluated: 2024-11-29. Review status: criteria provided, single submitter. Criteria: Invitae Variant Classification Sherloc (09022015). Collection method: clinical testing. Allele origin: germline.
Comment: This sequence change replaces arginine, which is basic and polar, with glutamine, which is neutral and polar, at codon 214 of the KCNQ2 protein (p.Arg214Gln). This variant is not present in population databases (gnomAD no frequency). This missense change has been observed in individual(s) with KCNQ2-related conditions (PMID: 31152295). In at least one individual the variant was observed to be de novo. ClinVar contains an entry for this variant (Variation ID: 578032). Invitae Evidence Modeling of protein sequence and biophysical properties (such as structural, functional, and spatial information, amino acid conservation, physicochemical variation, residue mobility, and thermodynamic stability) indicates that this missense variant is expected to disrupt KCNQ2 protein function with a positive predictive value of 95%. Experimental studies have shown that this missense change affects KCNQ2 function (PMID: 28283543). This variant disrupts the p.Arg214 amino acid residue in KCNQ2. Other variant(s) that disrupt this residue have been determined to be pathogenic (PMID: 11175290, 11784811). This suggests that this residue is clinically significant, and that variants that disrupt this residue are likely to be disease-causing. For these reasons, this variant has been classified as Pathogenic.

Department of Clinical Genetics, Medical University of Lodz
Classification: Pathogenic for Seizures, benign familial neonatal, 1. Last evaluated: 2023-07-27. Review status: criteria provided, single submitter. Criteria: ACMG Guidelines, 2015. Collection method: literature only. Allele origin: de novo. Inheritance: Autosomal dominant inheritance. Affected: yes. Observed: 1 variant allele.

Literature cited by the submitters: PubMed 17227916 (cited by Ambry Genetics); PubMed 18515377 (cited by Ambry Genetics); PubMed 31152295 (cited by 3 submitters); PubMed 36035117 (cited by Ambry Genetics and Rady Children's Institute for Genomic Medicine, Rady Children's Hospital San Diego); PubMed 37405542 (cited by Ambry Genetics and Rady Children's Institute for Genomic Medicine, Rady Children's Hospital San Diego); PubMed 11175290 (cited by Rady Children's Institute for Genomic Medicine, Rady Children's Hospital San Diego and Labcorp Genetics (formerly Invitae), Labcorp); PubMed 11784811 (cited by Rady Children's Institute for Genomic Medicine, Rady Children's Hospital San Diego and Labcorp Genetics (formerly Invitae), Labcorp); PubMed 18353052 (cited by Rady Children's Institute for Genomic Medicine, Rady Children's Hospital San Diego); PubMed 22275249 (cited by Rady Children's Institute for Genomic Medicine, Rady Children's Hospital San Diego); PubMed 25982755 (cited by Rady Children's Institute for Genomic Medicine, Rady Children's Hospital San Diego); PubMed 28283543 (cited by Rady Children's Institute for Genomic Medicine, Rady Children's Hospital San Diego and Labcorp Genetics (formerly Invitae), Labcorp); PubMed 29056246 (cited by Rady Children's Institute for Genomic Medicine, Rady Children's Hospital San Diego); PubMed 32917465 (cited by Rady Children's Institute for Genomic Medicine, Rady Children's Hospital San Diego); DOI 10.1007/s10048-023-00724-w (cited by Department of Clinical Genetics, Medical University of Lodz).

NM_172107.4(KCNQ2):c.641G>A (p.Arg214Gln)

Gene: KCNQ2 (potassium voltage-gated channel subfamily Q member 2; minus strand). Cytogenetic location: 20q13.33.
Variant type: single nucleotide variant.
Coding change: c.641G>A on transcript NM_172107.4 (MANE Select); coding-DNA position 641, G replaced by A.
Protein change: p.Arg214Gln; replaces arginine 214 with glutamine.
Molecular consequence: missense variant.
Genome position (GRCh38, 1-based): chr20:63,444,708, C>T on the plus strand (G>A on the coding strand, the complement: KCNQ2 is on the minus strand). VCF-style: chr20-63444708-C-T. GRCh37 (hg19) VCF-style: chr20-62076061-C-T.
Other names: c.641G>A, p.Arg214Gln (NM_004518.6, NM_172106.3, NM_172108.5 and 1 more transcripts); short protein forms R214Q.
Identifiers: ClinVar variation 578032 (VCV000578032.16), dbSNP rs1057518555, ClinGen allele CA409654734.
Genomic context (GRCh38, chr20:63,444,708, plus strand): 5'-CCGTGACTCACCTTGCTGTGGGCATAGACCACAGAGCCCAGCAGCTTCCAGGTGCCTCCC[C>T]GCCGGTCCATGCGGATCATCCGCAGAATCTGCAGGAAGCGCAGGCTCCGGAGCGCAGATG-3'
Protein context (NP_742105.1, residues 204-224): QILRMIRMDR[Arg214Gln]GGTWKLLGSV